The following is an entry in ClinVar:

ClinVar aggregate classification (germline): Conflicting classifications of pathogenicity. Review status: criteria provided, conflicting classifications (1 of 4 stars). 3 submissions from 3 submitters: Likely pathogenic (1); Uncertain significance (1). 1 of the submissions does not count toward it. Last evaluated 2022-11-24.

Conditions:
SPAST-related disorder. Also called: SPAST-related condition.
Hereditary spastic paraplegia 4. Also called: Spastic paraplegia 4, autosomal dominant; Familial spastic paraplegia autosomal dominant 2; Spastic Paraplegia 4. Identifiers: Orphanet 100985, MedGen C1866855, MONDO:0008438, OMIM 182601.

Allele frequency attached by ClinVar (database versions not stated): TOPMed below 0.00001.

Submissions (3):

Labcorp Genetics (formerly Invitae), Labcorp
Classification: Uncertain significance for Hereditary spastic paraplegia 4. Last evaluated: 2022-11-24. Review status: criteria provided, single submitter. Criteria: Invitae Variant Classification Sherloc (09022015). Collection method: clinical testing. Allele origin: germline.
Comment: This variant is not present in population databases (gnomAD no frequency). This missense change has been observed in individuals with hereditary spastic paraplegia (PMID: 11087788, 15841487). This variant is also known as p.Ser404Phe. ClinVar contains an entry for this variant (Variation ID: 617749). Advanced modeling of protein sequence and biophysical properties (such as structural, functional, and spatial information, amino acid conservation, physicochemical variation, residue mobility, and thermodynamic stability) performed at Invitae indicates that this missense variant is expected to disrupt SPAST protein function. This variant disrupts the p.Ser436Pro amino acid residue in SPAST. Other variant(s) that disrupt this residue have been observed in individuals with SPAST-related conditions (PMID: 20932283), which suggests that this may be a clinically significant amino acid residue. In summary, the available evidence is currently insufficient to determine the role of this variant in disease. Therefore, it has been classified as a Variant of Uncertain Significance. This sequence change replaces serine, which is neutral and polar, with phenylalanine, which is neutral and non-polar, at codon 436 of the SPAST protein (p.Ser436Phe).

Blueprint Genetics
Classification: Likely pathogenic for SPAST-related disorders. Last evaluated: 2021-07-29. Review status: criteria provided, single submitter. Criteria: ACMG Guidelines, 2015. Collection method: clinical testing. Allele origin: germline. Affected: yes. Observed: 2 variant alleles.

Department of Rehabilitation Medicine, Incheon St. Mary’s Hospital, College of Medicine, The Catholic University of Korea
Classification: Pathogenic for Hereditary spastic paraplegia 4. Last evaluated: 2019-02-08. Review status: no assertion criteria provided. Collection method: research. Allele origin: unknown. Inheritance: Autosomal dominant inheritance. Affected: yes. Not counted in ClinVar's aggregate classification.

Literature cited by the submitters: PubMed 11087788 (cited by Labcorp Genetics (formerly Invitae), Labcorp); PubMed 15841487 (cited by Labcorp Genetics (formerly Invitae), Labcorp); PubMed 20932283 (cited by Labcorp Genetics (formerly Invitae), Labcorp).

NM_014946.4(SPAST):c.1307C>T (p.Ser436Phe)

Gene: SPAST (spastin; plus strand). Cytogenetic location: 2p22.3.
Variant type: single nucleotide variant.
Coding change: c.1307C>T on transcript NM_014946.4 (MANE Select); coding-DNA position 1307, C replaced by T.
Protein change: p.Ser436Phe; replaces serine 436 with phenylalanine.
Molecular consequence: missense variant.
Genome position (GRCh38, 1-based): chr2:32,136,624, C>T. VCF-style: chr2-32136624-C-T. GRCh37 (hg19) VCF-style: chr2-32361693-C-T.
Other names: c.1304C>T, p.Ser435Phe (NM_001363823.2); c.1208C>T, p.Ser403Phe (NM_001363875.2); c.1211C>T, p.Ser404Phe (NM_001377959.1, NM_199436.2); short protein forms S436F, S435F, S404F, S403F.
Identifiers: ClinVar variation 617749 (VCV000617749.5), dbSNP rs1553318184, ClinGen allele CA346502113.